The following is an entry in ClinVar:

NM_000552.5(VWF):c.2389C>T (p.Leu797=)

Gene: VWF (von Willebrand factor; minus strand). Cytogenetic location: 12p13.31.
Variant type: single nucleotide variant.
Coding change: c.2389C>T on transcript NM_000552.5 (MANE Select); coding-DNA position 2389, C replaced by T.
Protein change: p.Leu797=; no amino-acid change (leucine 797 retained).
Molecular consequence: synonymous variant.
Genome position (GRCh38, 1-based): chr12:6,044,344, G>A on the plus strand (C>T on the coding strand, the complement: VWF is on the minus strand). VCF-style: chr12-6044344-G-A. GRCh37 (hg19) VCF-style: chr12-6153510-G-A.
Identifiers: ClinVar variation 2642608 (VCV002642608.25), dbSNP rs374016797, ClinGen allele CA6403084.

ClinVar aggregate classification (germline): Likely benign. Review status: criteria provided, multiple submitters, no conflicts (2 of 4 stars). 2 submissions from 2 submitters: Likely benign (2). Last evaluated 2024-11-19.

Allele frequency attached by ClinVar (database versions not stated): TOPMed 0.00012; ExAC 0.00014; gnomAD 0.00015; ESP Exome Variant Server 0.00023; gnomAD exomes 0.00023.
gnomAD v4.1: 361 of 1,614,102 alleles (0.022%); highest among the groups gnomAD compares: Non-Finnish European, 0.029%; no homozygotes.

Submissions (2):

Blueprint Genetics
Classification: Likely benign. Last evaluated: 2024-11-19. Review status: criteria provided, single submitter. Criteria: ACMG Guidelines, 2015. Collection method: clinical testing. Allele origin: germline.

CeGaT Center for Human Genetics Tuebingen
Classification: Likely benign. Last evaluated: 2023-03-01. Review status: criteria provided, single submitter. Criteria: CeGaT Center For Human Genetics Tuebingen Variant Classification Criteria Version 2. Collection method: clinical testing. Allele origin: germline. Affected: yes. Observed: 1 variant allele.
Comment: VWF: BP4, BP7